The following is an entry in ClinVar:

ClinVar aggregate classification (germline): Uncertain significance (1 of 4 stars; one submission).

Conditions:
Progressive familial heart block type IB (PFHB1B). Identifiers: Orphanet 871, MedGen C1970298, MONDO:0011474, OMIM 604559.

Submission:

Labcorp Genetics (formerly Invitae), Labcorp
Classification: Uncertain significance for Progressive familial heart block type IB. Last evaluated: 2021-03-13. Review status: criteria provided, single submitter. Criteria: Invitae Variant Classification Sherloc (09022015). Collection method: clinical testing. Allele origin: germline.
Comment: In summary, the available evidence is currently insufficient to determine the role of this variant in disease. Therefore, it has been classified as a Variant of Uncertain Significance. Algorithms developed to predict the effect of missense changes on protein structure and function (SIFT, PolyPhen-2, Align-GVGD) all suggest that this variant is likely to be tolerated, but these predictions have not been confirmed by published functional studies and their clinical significance is uncertain. This variant has not been reported in the literature in individuals with TRPM4-related conditions. This variant is not present in population databases (ExAC no frequency). This sequence change replaces alanine with valine at codon 516 of the TRPM4 protein (p.Ala516Val). The alanine residue is weakly conserved and there is a small physicochemical difference between alanine and valine.

NM_017636.4(TRPM4):c.1547C>T (p.Ala516Val)

Gene: TRPM4 (transient receptor potential cation channel subfamily M member 4; plus strand). Cytogenetic location: 19q13.33.
Variant type: single nucleotide variant.
Coding change: c.1547C>T on transcript NM_017636.4 (MANE Select); coding-DNA position 1547, C replaced by T.
Protein change: p.Ala516Val; replaces alanine 516 with valine.
Molecular consequence: missense variant. On other transcripts: 5 prime UTR variant (1).
Genome position (GRCh38, 1-based): chr19:49,182,861, C>T. VCF-style: chr19-49182861-C-T. GRCh37 (hg19) VCF-style: chr19-49686118-C-T.
Other names: c.1547C>T, p.Ala516Val (NM_001195227.2); c.1202C>T, p.Ala401Val (NM_001321281.2); c.-7C>T (NM_001321282.2); c.1025C>T, p.Ala342Val (NM_001321283.2); c.485C>T, p.Ala162Val (NM_001321285.2); short protein forms A162V, A342V, A401V, A516V.
Identifiers: ClinVar variation 1516507 (VCV001516507.8), dbSNP rs576481693, ClinGen allele CA309443086.